The following is an entry in ClinVar:

NM_006648.4(WNK2):c.3209C>G (p.Pro1070Arg)

Gene: WNK2 (WNK lysine deficient protein kinase 2; plus strand). Cytogenetic location: 9q22.31.
Variant type: single nucleotide variant.
Coding change: c.3209C>G on transcript NM_006648.4 (MANE Select); coding-DNA position 3209, C replaced by G.
Protein change: p.Pro1070Arg; replaces proline 1070 with arginine.
Molecular consequence: missense variant.
Genome position (GRCh38, 1-based): chr9:93,261,956, C>G. VCF-style: chr9-93261956-C-G. GRCh37 (hg19) VCF-style: chr9-96024238-C-G.
Other names: c.3209C>G, p.Pro1070Arg (NM_001282394.3); short protein forms P1070R.
Identifiers: ClinVar variation 3982132 (VCV003982132.1).
Genomic context (GRCh38, chr9:93,261,956, plus strand): 5'-TCTCGCCGCCTCTGCCGGAAGTGCTGCTGCCTGCCGCCCCTGAGCTCCTGCCTCAGTTCC[C>G]CAGCTCCCTGGCCACGGTGTCTGCCTCTGTGCAGAGTGTGCCCACCCAGACTGCCACACT-3'
Protein context (NP_006639.3, residues 1060-1080): PAAPELLPQF[Pro1070Arg]SSLATVSASV

ClinVar aggregate classification (germline): Uncertain significance (1 of 4 stars; one submission).

gnomAD v4.1: 1 of 1,611,640 alleles (0.000062%); highest among the groups gnomAD compares: Non-Finnish European, 0.000085%; no homozygotes.

Submission:

Ambry Genetics
Classification: Uncertain significance. Last evaluated: 2025-05-31. Review status: criteria provided, single submitter. Criteria: Ambry Variant Classification Scheme 2023. Collection method: clinical testing. Allele origin: germline.
Comment: The p.P1070R variant (also known as c.3209C>G), located in coding exon 12 of the WNK2 gene, results from a C to G substitution at nucleotide position 3209. The proline at codon 1070 is replaced by arginine, an amino acid with dissimilar properties. This amino acid position is conserved. In addition, this alteration is predicted to be tolerated by in silico analysis. Based on the available evidence, the clinical significance of this variant remains unclear.